The following is an entry in ClinVar:

NM_001374385.1(ATP8B1):c.2722G>A (p.Val908Ile)

Genes: ATP8B1 (ATPase phospholipid transporting 8B1; minus strand), ATP8B1-AS1 (ATP8B1 antisense RNA 1; plus strand). Cytogenetic location: 18q21.31.
Variant type: single nucleotide variant.
Coding change: c.2722G>A on transcript NM_001374385.1 (MANE Select); coding-DNA position 2722, G replaced by A.
Protein change: p.Val908Ile; replaces valine 908 with isoleucine.
Molecular consequence: missense variant.
Genome position (GRCh38, 1-based): chr18:57,655,403, C>T on the plus strand (G>A on the coding strand, the complement: ATP8B1 is on the minus strand). VCF-style: chr18-57655403-C-T. GRCh37 (hg19) VCF-style: chr18-55322635-C-T.
Other names: c.2572G>A, p.Val858Ile (NM_001374386.1); c.2722G>A, p.Val908Ile (NM_005603.6); short protein forms V908I, V858I.
Identifiers: ClinVar variation 594496 (VCV000594496.13), dbSNP rs200648620, ClinGen allele CA8974172.

ClinVar aggregate classification (germline): Conflicting classifications of pathogenicity. Review status: criteria provided, conflicting classifications (1 of 4 stars). 5 submissions from 5 submitters: Uncertain significance (4); Likely benign (1). Last evaluated 2025-05-30.

Conditions:
Inborn genetic diseases. Identifiers: MedGen C0950123, MeSH D030342.
Progressive familial intrahepatic cholestasis type 1. Also called: Severe ATP8B1 Deficiency (Progressive Familial Intrahepatic Cholestasis Type 1 [PFIC1]); BYLER DISEASE; Byler's disease. Identifiers: Orphanet 79306, MedGen C4551898, MONDO:0008892, OMIM 211600.
Benign recurrent intrahepatic cholestasis type 1. Also called: SUMMERSKILL SYNDROME; Mild-to-Moderate ATP8B1 Deficiency (Benign Recurrent Intrahepatic Cholestasis 1 [BRIC1]). Identifiers: Orphanet 65682, Orphanet 99960, MedGen C4551899, MONDO:0009469, OMIM 243300.

Allele frequency attached by ClinVar (database versions not stated): gnomAD exomes 0.00002 and 0.00006; gnomAD 0.00003; TOPMed 0.00005; ExAC 0.00006; 1000 Genomes Project 30x 0.00016; 1000 Genomes Project 0.00020.
gnomAD v4.1: 34 of 1,614,164 alleles (0.0021%); highest among the groups gnomAD compares: Admixed American, 0.018%; no homozygotes.

Submissions (5):

Ambry Genetics
Classification: Uncertain significance for Inborn genetic diseases. Last evaluated: 2025-05-30. Review status: criteria provided, single submitter. Criteria: Ambry Variant Classification Scheme 2023. Collection method: clinical testing. Allele origin: germline.

3billion
Classification: Likely benign for Benign recurrent intrahepatic cholestasis type 1; Progressive familial intrahepatic cholestasis type 1. Last evaluated: 2024-09-20. Review status: criteria provided, single submitter. Criteria: ACMG Guidelines, 2015. Collection method: clinical testing. Allele origin: germline. Affected: no.
Comment: The homozygous variant was found in patients diagnosed with another variant in a different gene, with no symptoms related to the gene containing the homozygous variant.

Labcorp Genetics (formerly Invitae), Labcorp
Classification: Uncertain significance. Last evaluated: 2022-07-14. Review status: criteria provided, single submitter. Criteria: Invitae Variant Classification Sherloc (09022015). Collection method: clinical testing. Allele origin: germline.
Comment: This sequence change replaces valine, which is neutral and non-polar, with isoleucine, which is neutral and non-polar, at codon 908 of the ATP8B1 protein (p.Val908Ile). The frequency data for this variant in the population databases is considered unreliable, as metrics indicate poor data quality at this position in the gnomAD database. This variant has not been reported in the literature in individuals affected with ATP8B1-related conditions. ClinVar contains an entry for this variant (Variation ID: 594496). Algorithms developed to predict the effect of missense changes on protein structure and function (SIFT, PolyPhen-2, Align-GVGD) all suggest that this variant is likely to be disruptive. In summary, the available evidence is currently insufficient to determine the role of this variant in disease. Therefore, it has been classified as a Variant of Uncertain Significance.

Illumina Laboratory Services, Illumina
Classification: Uncertain significance for Progressive familial intrahepatic cholestasis type 1. Last evaluated: 2018-01-13. Review status: criteria provided, single submitter. Criteria: ICSL Variant Classification Criteria 13 December 2019. Collection method: clinical testing. Allele origin: germline.

Eurofins Ntd Llc (ga)
Classification: Uncertain significance. Last evaluated: 2017-10-12. Review status: criteria provided, single submitter. Criteria: EGL Classification Definitions 2015. Collection method: clinical testing. Allele origin: germline. Observed: 1 variant allele, 1 heterozygote.